The following is an entry in ClinVar:

ClinVar aggregate classification (germline): Uncertain significance (1 of 4 stars; one submission).

Conditions:
Classic or attenuated familial adenomatous polyposis. Identifiers: MedGen CN372698, MONDO:0021057.

Submission:

All of Us Research Program, National Institutes of Health
Classification: Uncertain significance for Classic or attenuated familial adenomatous polyposis. Last evaluated: 2024-04-16. Review status: criteria provided, single submitter. Criteria: ACMG Guidelines, 2015. Collection method: clinical testing. Allele origin: germline. Inheritance: Autosomal dominant inheritance. Observed: 1 variant allele, 1 heterozygote.
Comment: This missense variant replaces proline with serine at codon 2540 of the APC protein. Computational prediction suggests that this variant may not impact protein structure and function (internally defined REVEL score threshold <= 0.5, PMID: 27666373). To our knowledge, functional studies have not been reported for this variant. This variant has not been reported in individuals affected with APC-related disorders in the literature. This variant has not been identified in the general population by the Genome Aggregation Database (gnomAD). The available evidence is insufficient to determine the role of this variant in disease conclusively. Therefore, this variant is classified as a Variant of Uncertain Significance.

This study involves interpretation of variants in research participants for the purpose of population health screening. Participant phenotype was not available at the time of variant classification. Additional details can be found in publication PMID: 35346344, PMCID: PMC8962531

NM_000038.6(APC):c.7618C>T (p.Pro2540Ser)

Gene: APC (APC regulator of WNT signaling pathway; plus strand). Cytogenetic location: 5q22.2.
Variant type: single nucleotide variant.
Coding change: c.7618C>T on transcript NM_000038.6 (MANE Select); coding-DNA position 7618, C replaced by T.
Protein change: p.Pro2540Ser; replaces proline 2540 with serine.
Molecular consequence: missense variant. On other transcripts: non-coding transcript variant (2).
Genome position (GRCh38, 1-based): chr5:112,843,212, C>T. VCF-style: chr5-112843212-C-T. GRCh37 (hg19) VCF-style: chr5-112178909-C-T.
Other names: c.7618C>T, p.Pro2540Ser (NM_001127510.3, NM_001354895.2, NM_001407450.1); c.7564C>T, p.Pro2522Ser (NM_001127511.3); c.7672C>T, p.Pro2558Ser (NM_001354896.2, NM_001407447.1, NM_001407448.1 and 1 more transcripts); c.7648C>T, p.Pro2550Ser (NM_001354897.2); c.7543C>T, p.Pro2515Ser (NM_001354898.2); c.7534C>T, p.Pro2512Ser (NM_001354899.2); c.7495C>T, p.Pro2499Ser (NM_001354900.2); c.7441C>T, p.Pro2481Ser (NM_001354901.2, NM_001407453.1); and 11 more; short protein forms P2156S, P2257S, P2380S, P2411S, P2414S, P2439S, P2449S, P2457S.
Identifiers: ClinVar variation 3387077 (VCV003387077.1).
Genomic context (GRCh38, chr5:112,843,212, plus strand): 5'-GGAAGACCAGCAAAGCGCCATGATATTGCACGGTCTCATTCTGAAAGTCCTTCTAGACTT[C>T]CAATCAATAGGTCAGGAACCTGGAAACGTGAGCACAGCAAACATTCATCATCCCTTCCTC-3'
Protein context (NP_000029.2, residues 2530-2550): RSHSESPSRL[Pro2540Ser]INRSGTWKRE